The following is an entry in ClinVar:

ClinVar aggregate classification (germline): Uncertain significance (1 of 4 stars; one submission).

Submission:

GeneDx
Classification: Uncertain significance. Last evaluated: 2021-04-09. Review status: criteria provided, single submitter. Criteria: GeneDx Variant Classification Process June 2021. Collection method: clinical testing. Allele origin: germline. Affected: yes.
Comment: Not observed in large population cohorts (Lek et al., 2016); In silico analysis supports that this missense variant has a deleterious effect on protein structure/function; Has not been previously published as pathogenic or benign to our knowledge

NM_001374353.1(GLI2):c.1201A>G (p.Lys401Glu)

Gene: GLI2 (GLI family zinc finger 2; plus strand). Cytogenetic location: 2q14.2.
Variant type: single nucleotide variant.
Coding change: c.1201A>G on transcript NM_001374353.1 (MANE Select); coding-DNA position 1201, A replaced by G.
Protein change: p.Lys401Glu; replaces lysine 401 with glutamic acid.
Molecular consequence: missense variant.
Genome position (GRCh38, 1-based): chr2:120,974,993, A>G. VCF-style: chr2-120974993-A-G. GRCh37 (hg19) VCF-style: chr2-121732569-A-G.
Other names: c.1252A>G, p.Lys418Glu (NM_001371271.1, NM_005270.5); c.826A>G, p.Lys276Glu (NM_001374354.1); short protein forms K276E, K401E, K418E.
Identifiers: ClinVar variation 1314631 (VCV001314631.2), dbSNP rs2105036408, ClinGen allele CA348161081.